The following is an entry in ClinVar:

NM_032830.3(UTP4):c.302G>T (p.Gly101Val)

Gene: UTP4 (UTP4 small subunit processome component). Cytogenetic location: 16q22.1.
Variant type: single nucleotide variant.
Coding change: c.302G>T on transcript NM_032830.3 (MANE Select); coding-DNA position 302, G replaced by T.
Protein change: p.Gly101Val; replaces glycine 101 with valine.
Molecular consequence: missense variant.
Genome position (GRCh38, 1-based): chr16:69,136,838, G>T. VCF-style: chr16-69136838-G-T. GRCh37 (hg19) VCF-style: chr16-69170741-G-T.
Other names: c.53G>T, p.Gly18Val (NM_001318391.2); short protein forms G101V, G18V.
Identifiers: ClinVar variation 710240 (VCV000710240.15), dbSNP rs144369314, ClinGen allele CA8131988.

ClinVar aggregate classification (germline): Conflicting classifications of pathogenicity. Review status: criteria provided, conflicting classifications (1 of 4 stars). 4 submissions from 4 submitters: Uncertain significance (1); Likely benign (2). 1 of the submissions does not count toward it. Last evaluated 2026-01-21.

Conditions:
Hereditary North American Indian childhood cirrhosis. Identifiers: Orphanet 168583, MedGen C1858051, MONDO:0011497, OMIM 604901.
UTP4-related disorder. Also called: UTP4-related condition.

Allele frequency attached by ClinVar (database versions not stated): 1000 Genomes Project 0.00180; 1000 Genomes Project 30x 0.00187; ExAC 0.00200; gnomAD exomes 0.00223; gnomAD 0.00224 and 0.00227; TOPMed 0.00267; ESP Exome Variant Server 0.00362.

Submissions (12):

Labcorp Genetics (formerly Invitae), Labcorp
Classification: Likely benign. Last evaluated: 2026-01-21. Review status: criteria provided, single submitter. Criteria: Invitae Variant Classification Sherloc (09022015). Collection method: clinical testing. Allele origin: germline.

Blueprint Genetics
Classification: Likely benign. Last evaluated: 2024-11-26. Review status: criteria provided, single submitter. Criteria: ACMG Guidelines, 2015. Collection method: clinical testing. Allele origin: germline.

Illumina Laboratory Services, Illumina
Classification: Uncertain significance for Hereditary North American Indian childhood cirrhosis. Last evaluated: 2018-01-12. Review status: criteria provided, single submitter. Criteria: ICSL Variant Classification Criteria 13 December 2019. Collection method: clinical testing. Allele origin: germline.

PreventionGenetics, part of Exact Sciences
Classification: Likely benign for UTP4-related condition. Last evaluated: 2021-04-21. Review status: no assertion criteria provided. Collection method: clinical testing. Allele origin: germline. Not counted in ClinVar's aggregate classification.
Comment: This variant is classified as likely benign based on ACMG/AMP sequence variant interpretation guidelines (Richards et al. 2015 PMID: 25741868, with internal and published modifications).

Dr. Peter K. Rogan Lab, Western University
No classification provided (evidence only). Condition: Clear cell carcinoma of kidney. Review status: no classification provided. Collection method: in vitro. Allele origin: not applicable. Functional consequence: skipped exon, retained intron. Not counted in ClinVar's aggregate classification.

Dr. Peter K. Rogan Lab, Western University
No classification provided (evidence only). Condition: Lung cancer. Review status: no classification provided. Collection method: in vitro. Allele origin: not applicable. Functional consequence: skipped exon, retained intron. Not counted in ClinVar's aggregate classification.

Dr. Peter K. Rogan Lab, Western University
No classification provided (evidence only). Condition: Melanoma. Review status: no classification provided. Collection method: in vitro. Allele origin: not applicable. Functional consequence: skipped exon. Not counted in ClinVar's aggregate classification.

Dr. Peter K. Rogan Lab, Western University
No classification provided (evidence only). Condition: Familial cancer of breast. Review status: no classification provided. Collection method: in vitro. Allele origin: not applicable. Functional consequence: skipped exon, retained intron. Not counted in ClinVar's aggregate classification.

Dr. Peter K. Rogan Lab, Western University
No classification provided (evidence only). Condition: Cervical cancer. Review status: no classification provided. Collection method: in vitro. Allele origin: not applicable. Functional consequence: skipped exon. Not counted in ClinVar's aggregate classification.

Dr. Peter K. Rogan Lab, Western University
No classification provided (evidence only). Condition: Sarcoma. Review status: no classification provided. Collection method: in vitro. Allele origin: not applicable. Functional consequence: skipped exon. Not counted in ClinVar's aggregate classification.

Dr. Peter K. Rogan Lab, Western University
No classification provided (evidence only). Condition: Nonpapillary renal cell carcinoma. Review status: no classification provided. Collection method: in vitro. Allele origin: not applicable. Functional consequence: skipped exon. Not counted in ClinVar's aggregate classification.

Dr. Peter K. Rogan Lab, Western University
No classification provided (evidence only). Condition: Ovarian serous cystadenocarcinoma. Review status: no classification provided. Collection method: in vitro. Allele origin: not applicable. Functional consequence: retained intron. Not counted in ClinVar's aggregate classification.